The following is an entry in ClinVar:

NM_004385.5(VCAN):c.2546A>T (p.Asp849Val)

Gene: VCAN (versican; plus strand). Cytogenetic location: 5q14.3.
Variant type: single nucleotide variant.
Coding change: c.2546A>T on transcript NM_004385.5 (MANE Select); coding-DNA position 2546, A replaced by T.
Protein change: p.Asp849Val; replaces aspartic acid 849 with valine.
Molecular consequence: missense variant. On other transcripts: intron variant (2).
Genome position (GRCh38, 1-based): chr5:83,520,852, A>T. VCF-style: chr5-83520852-A-T. GRCh37 (hg19) VCF-style: chr5-82816671-A-T.
Other names: c.2546A>T, p.Asp849Val (NM_001164098.2); c.1042+8456A>T (NM_001164097.2, NM_001126336.3); short protein forms D849V.
Identifiers: ClinVar variation 2175802 (VCV002175802.5), dbSNP rs766157743, ClinGen allele CA121792546.

ClinVar aggregate classification (germline): Uncertain significance. Review status: criteria provided, multiple submitters, no conflicts (2 of 4 stars). 2 submissions from 2 submitters: Uncertain significance (2). Last evaluated 2022-05-04.

Allele frequency attached by ClinVar (database versions not stated): gnomAD 0.00001.
gnomAD v4.1: 4 of 1,614,044 alleles (0.00025%); highest among the groups gnomAD compares: African/African-American, 0.0053%; no homozygotes.

Submissions (2):

Labcorp Genetics (formerly Invitae), Labcorp
Classification: Uncertain significance. Last evaluated: 2022-05-04. Review status: criteria provided, single submitter. Criteria: Invitae Variant Classification Sherloc (09022015). Collection method: clinical testing. Allele origin: germline.
Comment: In summary, the available evidence is currently insufficient to determine the role of this variant in disease. Therefore, it has been classified as a Variant of Uncertain Significance. Algorithms developed to predict the effect of missense changes on protein structure and function are either unavailable or do not agree on the potential impact of this missense change (SIFT: "Deleterious"; PolyPhen-2: "Possibly Damaging"; Align-GVGD: "Class C15"). This variant has not been reported in the literature in individuals affected with VCAN-related conditions. This variant is present in population databases (no rsID available, gnomAD 0.01%). This sequence change replaces aspartic acid, which is acidic and polar, with valine, which is neutral and non-polar, at codon 849 of the VCAN protein (p.Asp849Val).

Blueprint Genetics
Classification: Uncertain significance. Last evaluated: 2021-12-22. Review status: criteria provided, single submitter. Criteria: ACMG Guidelines, 2015. Collection method: clinical testing. Allele origin: germline.